The following is an entry in ClinVar:

ClinVar aggregate classification (germline): Uncertain significance. Review status: criteria provided, single submitter (1 of 4 stars). 2 submissions from 2 submitters: Uncertain significance (1). 1 of the submissions does not count toward it. Last evaluated 2022-08-09.

Conditions:
Severe combined immunodeficiency, autosomal recessive, T cell-negative, B cell-negative, NK cell-positive. Also called: Severe combined immunodeficiency due to complete RAG1/2 deficiency; SCID, AR, T-cell negative, B-cell negative, NK cell-positive; SCID, T CELL-NEGATIVE, B CELL-NEGATIVE, NK CELL-POSITIVE. Identifiers: Orphanet 331206, MedGen C1832322, MONDO:0011086, OMIM 601457.
Combined immunodeficiency with skin granulomas. Identifiers: Orphanet 157949, MedGen C2673536, MONDO:0009306, OMIM 233650.
Histiocytic medullary reticulosis. Also called: Omenn syndrome; SEVERE COMBINED IMMUNODEFICIENCY WITH HYPEREOSINOPHILIA. Identifiers: Orphanet 39041, MedGen C2700553, MONDO:0011338, OMIM 603554.

Allele frequency attached by ClinVar (database versions not stated): gnomAD 0.00003; gnomAD exomes 0.00003 and 0.00007; TOPMed 0.00005; ExAC 0.00007; 1000 Genomes Project 30x 0.00016; 1000 Genomes Project 0.00020.
gnomAD v4.1: 43 of 1,614,082 alleles (0.0027%); highest among the groups gnomAD compares: Admixed American, 0.032%; no homozygotes.

Submissions (2):

Labcorp Genetics (formerly Invitae), Labcorp
Classification: Uncertain significance for Combined immunodeficiency with skin granulomas; Severe combined immunodeficiency, autosomal recessive, T cell-negative, B cell-negative, NK cell-positive. Last evaluated: 2022-08-09. Review status: criteria provided, single submitter. Criteria: Invitae Variant Classification Sherloc (09022015). Collection method: clinical testing. Allele origin: germline.
Comment: This sequence change replaces arginine, which is basic and polar, with cysteine, which is neutral and slightly polar, at codon 464 of the RAG2 protein (p.Arg464Cys). This variant is present in population databases (rs189020262, gnomAD 0.04%). This variant has not been reported in the literature in individuals affected with RAG2-related conditions. ClinVar contains an entry for this variant (Variation ID: 972658). Advanced modeling of protein sequence and biophysical properties (such as structural, functional, and spatial information, amino acid conservation, physicochemical variation, residue mobility, and thermodynamic stability) performed at Invitae indicates that this missense variant is not expected to disrupt RAG2 protein function. In summary, the available evidence is currently insufficient to determine the role of this variant in disease. Therefore, it has been classified as a Variant of Uncertain Significance.

Natera, Inc.
Classification: Uncertain significance for Omenn syndrome. Last evaluated: 2020-04-13. Review status: no assertion criteria provided. Collection method: clinical testing. Allele origin: germline. Not counted in ClinVar's aggregate classification.

NM_000536.4(RAG2):c.1390C>T (p.Arg464Cys)

Gene: RAG2 (recombination activating 2; minus strand). Cytogenetic location: 11p12.
Variant type: single nucleotide variant.
Coding change: c.1390C>T on transcript NM_000536.4 (MANE Select); coding-DNA position 1390, C replaced by T.
Protein change: p.Arg464Cys; replaces arginine 464 with cysteine.
Molecular consequence: missense variant.
Genome position (GRCh38, 1-based): chr11:36,592,779, G>A on the plus strand (C>T on the coding strand, the complement: RAG2 is on the minus strand). VCF-style: chr11-36592779-G-A. GRCh37 (hg19) VCF-style: chr11-36614329-G-A.
Other names: c.1390C>T, p.Arg464Cys (NM_001243785.2, NM_001243786.2); short protein forms R464C.
Identifiers: ClinVar variation 972658 (VCV000972658.5), dbSNP rs189020262, ClinGen allele CA5950425.